The following is an entry in ClinVar:

ClinVar aggregate classification (germline): Uncertain significance (1 of 4 stars; one submission).

Conditions:
Inborn genetic diseases. Identifiers: MedGen C0950123, MeSH D030342.

Submission:

Ambry Genetics
Classification: Uncertain significance for Inborn genetic diseases. Last evaluated: 2024-05-01. Review status: criteria provided, single submitter. Criteria: Ambry Variant Classification Scheme 2023. Collection method: clinical testing. Allele origin: germline.
Comment: The p.H2206D variant (also known as c.6616C>G), located in coding exon 45 of the LRRK2 gene, results from a C to G substitution at nucleotide position 6616. The histidine at codon 2206 is replaced by aspartic acid, an amino acid with similar properties. This amino acid position is conserved. In addition, this alteration is predicted to be tolerated by in silico analysis. Based on the available evidence, the clinical significance of this variant remains unclear.

NM_198578.4(LRRK2):c.6616C>G (p.His2206Asp)

Gene: LRRK2 (leucine rich repeat kinase 2; plus strand). Cytogenetic location: 12q12.
Variant type: single nucleotide variant.
Coding change: c.6616C>G on transcript NM_198578.4 (MANE Select); coding-DNA position 6616, C replaced by G.
Protein change: p.His2206Asp; replaces histidine 2206 with aspartic acid.
Molecular consequence: missense variant.
Genome position (GRCh38, 1-based): chr12:40,354,338, C>G. VCF-style: chr12-40354338-C-G. GRCh37 (hg19) VCF-style: chr12-40748140-C-G.
Other names: short protein forms H2206D.
Identifiers: ClinVar variation 3291983 (VCV003291983.1).